The following is an entry in ClinVar:

ClinVar aggregate classification (germline): Uncertain significance (1 of 4 stars; one submission).

Conditions:
Mosaic variegated aneuploidy syndrome 2 (MVA2). Identifiers: Orphanet 1052, MedGen C3279843, MONDO:0013582, OMIM 614114.

Allele frequency attached by ClinVar (database versions not stated): gnomAD exomes below 0.00001; ExAC 0.00001; TOPMed 0.00002; gnomAD 0.00003; ESP Exome Variant Server 0.00008.

Submission:

Labcorp Genetics (formerly Invitae), Labcorp
Classification: Uncertain significance for Mosaic variegated aneuploidy syndrome 2. Last evaluated: 2023-01-28. Review status: criteria provided, single submitter. Criteria: Invitae Variant Classification Sherloc (09022015). Collection method: clinical testing. Allele origin: germline.
Comment: This variant is present in population databases (rs147573411, gnomAD 0.008%). This sequence change affects codon 65 of the CEP57 mRNA. It is a 'silent' change, meaning that it does not change the encoded amino acid sequence of the CEP57 protein. This variant has not been reported in the literature in individuals affected with CEP57-related conditions. In summary, the available evidence is currently insufficient to determine the role of this variant in disease. Therefore, it has been classified as a Variant of Uncertain Significance. Algorithms developed to predict the effect of sequence changes on RNA splicing suggest that this variant may create or strengthen a splice site.

NM_014679.5(CEP57):c.195C>T (p.Asn65=)

Gene: CEP57 (centrosomal protein 57; plus strand). Cytogenetic location: 11q21.
Variant type: single nucleotide variant.
Coding change: c.195C>T on transcript NM_014679.5 (MANE Select); coding-DNA position 195, C replaced by T.
Protein change: p.Asn65=; no amino-acid change (asparagine 65 retained).
Molecular consequence: synonymous variant.
Genome position (GRCh38, 1-based): chr11:95,799,381, C>T. VCF-style: chr11-95799381-C-T. GRCh37 (hg19) VCF-style: chr11-95532545-C-T.
Other names: c.168C>T, p.Asn56= (NM_001243776.2); c.195C>T, p.Asn65= (NM_001243777.2); c.114C>T, p.Asn38= (NM_001363604.2).
Identifiers: ClinVar variation 2896964 (VCV002896964.3), dbSNP rs147573411, ClinGen allele CA6239386.